The following is an entry in ClinVar:

ClinVar aggregate classification (germline): Conflicting classifications of pathogenicity. Review status: criteria provided, conflicting classifications (1 of 4 stars). 5 submissions from 4 submitters: Uncertain significance (2); Likely benign (2). 1 of the submissions does not count toward it. Last evaluated 2026-01-14.

Conditions:
Long chain 3-hydroxyacyl-CoA dehydrogenase deficiency. Also called: Deficiency of long-chain 3-hydroxyacyl-coenzyme A dehydrogenase; LCHAD Deficiency. Identifiers: Orphanet 5, MedGen C3711645, MONDO:0012173, OMIM 609016.
Mitochondrial trifunctional protein deficiency. Identifiers: Orphanet 746, MedGen C1969443, MONDO:0012172.
HADHA-related disorder. Also called: HADHA-related condition; HADHA-related disorders.

Allele frequency attached by ClinVar (database versions not stated): gnomAD 0.00004 and 0.00005; ExAC 0.00010; gnomAD exomes 0.00014; TOPMed 0.00020; 1000 Genomes Project 30x 0.00031; 1000 Genomes Project 0.00040.
gnomAD v4.1: 68 of 1,611,066 alleles (0.0042%); highest among the groups gnomAD compares: East Asian, 0.14%; no homozygotes.

Submissions (5):

Labcorp Genetics (formerly Invitae), Labcorp
Classification: Likely benign for Mitochondrial trifunctional protein deficiency; Long chain 3-hydroxyacyl-CoA dehydrogenase deficiency. Last evaluated: 2026-01-14. Review status: criteria provided, single submitter. Criteria: Invitae Variant Classification Sherloc (09022015). Collection method: clinical testing. Allele origin: germline.

Blueprint Genetics
Classification: Likely benign. Last evaluated: 2023-08-01. Review status: criteria provided, single submitter. Criteria: ACMG Guidelines, 2015. Collection method: clinical testing. Allele origin: germline.

Illumina Laboratory Services, Illumina
Classification: Uncertain significance for Long chain 3-hydroxyacyl-CoA dehydrogenase deficiency. Last evaluated: 2018-01-12. Review status: criteria provided, single submitter. Criteria: ICSL Variant Classification Criteria 13 December 2019. Collection method: clinical testing. Allele origin: germline.

Illumina Laboratory Services, Illumina
Classification: Uncertain significance for Mitochondrial trifunctional protein deficiency 1. Last evaluated: 2018-01-12. Review status: criteria provided, single submitter. Criteria: ICSL Variant Classification Criteria 13 December 2019. Collection method: clinical testing. Allele origin: germline.

PreventionGenetics, part of Exact Sciences
Classification: Likely benign for HADHA-related condition. Last evaluated: 2022-03-16. Review status: no assertion criteria provided. Collection method: clinical testing. Allele origin: germline. Not counted in ClinVar's aggregate classification.
Comment: This variant is classified as likely benign based on ACMG/AMP sequence variant interpretation guidelines (Richards et al. 2015 PMID: 25741868, with internal and published modifications).

NM_000182.5(HADHA):c.585T>A (p.Pro195=)

Gene: HADHA (hydroxyacyl-CoA dehydrogenase trifunctional multienzyme complex subunit alpha; minus strand). Cytogenetic location: 2p23.3.
Variant type: single nucleotide variant.
Coding change: c.585T>A on transcript NM_000182.5 (MANE Select); coding-DNA position 585, T replaced by A.
Protein change: p.Pro195=; no amino-acid change (proline 195 retained).
Molecular consequence: synonymous variant.
Genome position (GRCh38, 1-based): chr2:26,230,283, A>T on the plus strand (T>A on the coding strand, the complement: HADHA is on the minus strand). VCF-style: chr2-26230283-A-T. GRCh37 (hg19) VCF-style: chr2-26453151-A-T.
Identifiers: ClinVar variation 335385 (VCV000335385.18), dbSNP rs202034466, ClinGen allele CA1559837.